The following is an entry in ClinVar:

ClinVar aggregate classification (germline): Uncertain significance. Review status: criteria provided, multiple submitters, no conflicts (2 of 4 stars). 2 submissions from 2 submitters: Uncertain significance (2). Last evaluated 2025-10-02.

Conditions:
Inborn genetic diseases. Identifiers: MedGen C0950123, MeSH D030342.
Muscular dystrophy-dystroglycanopathy (congenital with brain and eye anomalies), type a, 11 (MDDGA11). Also called: Muscular dystrophy-dystroglycanopathy (congenital with brain and eye anomalies, type A, 11; WALKER-WARBURG SYNDROME OR MUSCLE-EYE-BRAIN DISEASE, B3GALNT2-RELATED; Congenital muscular dystrophy-dystroglycanopathy with brain and eye anomalies, type A11. Identifiers: Orphanet 588, Orphanet 899, MedGen C3554638, MONDO:0014071, OMIM 615181.

Allele frequency attached by ClinVar (database versions not stated): gnomAD exomes below 0.00001; ExAC 0.00001; gnomAD 0.00002; TOPMed 0.00002.
gnomAD v4.1: 6 of 1,613,118 alleles (0.00037%); highest among the groups gnomAD compares: Non-Finnish European, 0.00051%; no homozygotes.

Submissions (2):

Labcorp Genetics (formerly Invitae), Labcorp
Classification: Uncertain significance for Muscular dystrophy-dystroglycanopathy (congenital with brain and eye anomalies), type a, 11. Last evaluated: 2025-10-02. Review status: criteria provided, single submitter. Criteria: Invitae Variant Classification Sherloc (09022015). Collection method: clinical testing. Allele origin: germline.
Comment: This sequence change replaces serine, which is neutral and polar, with threonine, which is neutral and polar, at codon 404 of the B3GALNT2 protein (p.Ser404Thr). This variant is present in population databases (rs757947010, gnomAD 0.002%). This variant has not been reported in the literature in individuals affected with B3GALNT2-related conditions. ClinVar contains an entry for this variant (Variation ID: 2157573). Invitae Evidence Modeling of protein sequence and biophysical properties (such as structural, functional, and spatial information, amino acid conservation, physicochemical variation, residue mobility, and thermodynamic stability) indicates that this missense variant is not expected to disrupt B3GALNT2 protein function with a negative predictive value of 80%. In summary, the available evidence is currently insufficient to determine the role of this variant in disease. Therefore, it has been classified as a Variant of Uncertain Significance.

Ambry Genetics
Classification: Uncertain significance for Inborn genetic diseases. Last evaluated: 2023-05-23. Review status: criteria provided, single submitter. Criteria: Ambry Variant Classification Scheme 2023. Collection method: clinical testing. Allele origin: germline.

NM_152490.5(B3GALNT2):c.1211G>C (p.Ser404Thr)

Gene: B3GALNT2 (beta-1,3-N-acetylgalactosaminyltransferase 2; minus strand). Cytogenetic location: 1q42.3.
Variant type: single nucleotide variant.
Coding change: c.1211G>C on transcript NM_152490.5 (MANE Select); coding-DNA position 1211, G replaced by C.
Protein change: p.Ser404Thr; replaces serine 404 with threonine.
Molecular consequence: missense variant.
Genome position (GRCh38, 1-based): chr1:235,454,256, C>G on the plus strand (G>C on the coding strand, the complement: B3GALNT2 is on the minus strand). VCF-style: chr1-235454256-C-G. GRCh37 (hg19) VCF-style: chr1-235617568-C-G.
Other names: c.1211G>C (NM_152490.2); short protein forms S404T.
Identifiers: ClinVar variation 2157573 (VCV002157573.6), dbSNP rs757947010, ClinGen allele CA1464653.
Genomic context (GRCh38, chr1:235,454,256, plus strand): 5'-TTGACGATGTCCTTGGAGATCACATATCCTGACCCACATGCAAAGGCAGGGTAAGCGGGG[C>G]TCGGGTACTCCAACTCCTGCCACTTTCCGGTTCGGTCAACTGCCCAATTCAGTCTGAAAC-3'
Protein context (NP_689703.1, residues 394-414): TGKWQELEYP[Ser404Thr]PAYPAFACGS